The following is an entry in ClinVar:

ClinVar aggregate classification (germline): Uncertain significance. Review status: reviewed by expert panel (3 of 4 stars). 3 submissions from 3 submitters: Uncertain significance (1). 2 of the submissions do not count toward it. Last evaluated 2025-08-01.

Conditions:
RYR1-related disorder. Also called: RYR1-related condition; RYR1-related disorders. Identifiers: MedGen CN239331.
Malignant hyperthermia of anesthesia. Also called: Anesthesic-triggered malignant hyperthermia. Identifiers: Orphanet 423, MedGen C0024591, MONDO:0018493, HP:0034733.

Allele frequency attached by ClinVar (database versions not stated): gnomAD exomes 0.00001.
gnomAD v4.1: 3 of 1,571,980 alleles (0.00019%); highest among the groups gnomAD compares: Non-Finnish European, 0.00026%; no homozygotes.

Submissions (3):

ClinGen Malignant Hyperthermia Susceptibility Variant Curation Expert Panel, ClinGen
Classification: Uncertain significance for Malignant hyperthermia of anesthesia. Last evaluated: 2025-08-01. Review status: reviewed by expert panel. Criteria: ClinGen MHS ACMG Specifications V2. Collection method: curation. Allele origin: germline. Inheritance: Autosomal dominant inheritance.
Comment: This pathogenicity assessment is relevant only for malignant hyperthermia susceptibility (MHS) inherited in an autosomal dominant pattern. Variants in RYR1 can also cause other myopathies inherited in an autosomal dominant pattern or in an autosomal recessive pattern. Some of these disorders may predispose individuals to malignant hyperthermia. RYR1 variants may also contribute to a malignant hyperthermia reaction in combination with other genetic and non-genetic factors and the clinician needs to consider such factors in making management decisions. This sequence variant predicts a substitution of serine with proline at codon 3217 of the RYR1 protein, p.(Ser3217Pro). This variant was not present in a large population database (gnomAD) at the time this variant was interpreted. This variant has been reported in an individual with a personal or family history of an MH episode and a positive in vitro contracture test (IVCT) or caffeine halothane contracture test (CHCT) result (if the proband was unavailable for testing, a positive diagnostic test result in a mutation-positive relative was counted), however, this individual also had a second variant of uncertain significance in RYR1 (p.Arg367Leu) and was not counted for PS4 (PMID:19191329). No functional studies were identified for this variant. This variant does not reside in a hotspot for pathogenic variants that contribute to MHS. A REVEL score >0.85 (0.918) supports a pathogenic status for this variant, PP3_Moderate. This variant has been classified as a Variant of Unknown Significance. Criteria implemented: PP3_Moderate.

Women's Health and Genetics/Laboratory Corporation of America, LabCorp
Classification: Uncertain significance. Last evaluated: 2025-03-25. Review status: criteria provided, single submitter. Criteria: LabCorp Variant Classification Summary - May 2015. Collection method: clinical testing. Allele origin: germline. Not counted in ClinVar's aggregate classification.
Comment: Variant summary: RYR1 c.9649T>C (p.Ser3217Pro) results in a non-conservative amino acid change in the encoded protein sequence. Four of four in-silico tools predict a damaging effect of the variant on protein function. The variant was absent in 185060 control chromosomes. The available data on variant occurrences in the general population are insufficient to allow any conclusion about variant significance. c.9649T>C has been reported in the literature along with another VUS missense in one individual affected with Malignant Hyperthermia (Klingler_2014, Levano_2009). These report(s) do not provide unequivocal conclusions about association of the variant with Malignant Hyperthermia Susceptibility. To our knowledge, no experimental evidence demonstrating an impact on protein function has been reported. The following publications have been ascertained in the context of this evaluation (PMID: 24433488, 28259615). ClinVar contains an entry for this variant (Variation ID: 1330365). Based on the evidence outlined above, the variant was classified as uncertain significance.

Labcorp Genetics (formerly Invitae), Labcorp
Classification: Uncertain significance for RYR1-related disorder. Last evaluated: 2025-01-18. Review status: criteria provided, single submitter. Criteria: Invitae Variant Classification Sherloc (09022015). Collection method: clinical testing. Allele origin: germline. Not counted in ClinVar's aggregate classification.
Comment: This sequence change replaces serine, which is neutral and polar, with proline, which is neutral and non-polar, at codon 3217 of the RYR1 protein (p.Ser3217Pro). This variant is not present in population databases (gnomAD no frequency). This missense change has been observed in individual(s) with RYR1-related conditions (PMID: 19191329). ClinVar contains an entry for this variant (Variation ID: 1330365). Invitae Evidence Modeling of protein sequence and biophysical properties (such as structural, functional, and spatial information, amino acid conservation, physicochemical variation, residue mobility, and thermodynamic stability) indicates that this missense variant is expected to disrupt RYR1 protein function with a positive predictive value of 80%. In summary, the available evidence is currently insufficient to determine the role of this variant in disease. Therefore, it has been classified as a Variant of Uncertain Significance.

Literature cited by the submitters: PubMed 24433488 (cited by Women's Health and Genetics/Laboratory Corporation of America, LabCorp); PubMed 28259615 (cited by Women's Health and Genetics/Laboratory Corporation of America, LabCorp); PubMed 19191329 (cited by Labcorp Genetics (formerly Invitae), Labcorp).

NM_000540.3(RYR1):c.9649T>C (p.Ser3217Pro)

Gene: RYR1 (ryanodine receptor 1; plus strand). Cytogenetic location: 19q13.2.
Variant type: single nucleotide variant.
Coding change: c.9649T>C on transcript NM_000540.3 (MANE Select); coding-DNA position 9649, T replaced by C.
Protein change: p.Ser3217Pro; replaces serine 3217 with proline.
Molecular consequence: missense variant.
Genome position (GRCh38, 1-based): chr19:38,516,181, T>C. VCF-style: chr19-38516181-T-C. GRCh37 (hg19) VCF-style: chr19-39006821-T-C.
Other names: NM_000540.3(RYR1):c.9649T>C; p.(Ser3217Pro); NM_001042723.2:c.9649T>C; c.9649T>C, p.Ser3217Pro (NM_001042723.2); short protein forms S3217P.
Identifiers: ClinVar variation 1330365 (VCV001330365.6), dbSNP rs113422327, ClinGen allele CA308128959.